The following is an entry in ClinVar:

ClinVar aggregate classification (germline): Likely benign. Review status: criteria provided, multiple submitters, no conflicts (2 of 4 stars). 3 submissions from 3 submitters: Likely benign (3). Last evaluated 2025-10-07.

Conditions:
COL2A1-related disorder. Also called: COL2A1-related condition; COL2A1-related disorders.

Allele frequency attached by ClinVar (database versions not stated): TOPMed 0.00001; gnomAD 0.00005; gnomAD exomes 0.00012; ExAC 0.00017.

Submissions (3):

Labcorp Genetics (formerly Invitae), Labcorp
Classification: Likely benign. Last evaluated: 2025-10-07. Review status: criteria provided, single submitter. Criteria: Invitae Variant Classification Sherloc (09022015). Collection method: clinical testing. Allele origin: germline.

PreventionGenetics, part of Exact Sciences
Classification: Likely benign for COL2A1-related condition. Last evaluated: 2025-03-03. Review status: criteria provided, single submitter. Criteria: ACMG Guidelines, 2015. Collection method: clinical testing. Allele origin: germline.
Comment: This variant is classified as likely benign based on ACMG/AMP sequence variant interpretation guidelines (Richards et al. 2015 PMID: 25741868, with internal and published modifications).

Blueprint Genetics
Classification: Likely benign. Last evaluated: 2024-02-24. Review status: criteria provided, single submitter. Criteria: ACMG Guidelines, 2015. Collection method: clinical testing. Allele origin: germline.

NM_001844.5(COL2A1):c.570G>A (p.Lys190=)

Gene: COL2A1 (collagen type II alpha 1 chain; minus strand). Cytogenetic location: 12q13.11.
Variant type: single nucleotide variant.
Coding change: c.570G>A on transcript NM_001844.5 (MANE Select); coding-DNA position 570, G replaced by A.
Protein change: p.Lys190=; no amino-acid change (lysine 190 retained).
Molecular consequence: synonymous variant.
Genome position (GRCh38, 1-based): chr12:47,996,587, C>T on the plus strand (G>A on the coding strand, the complement: COL2A1 is on the minus strand). VCF-style: chr12-47996587-C-T. GRCh37 (hg19) VCF-style: chr12-48390370-C-T.
Other names: c.363G>A, p.Lys121= (NM_033150.3); c.570G>A (NM_001844.4).
Identifiers: ClinVar variation 1929248 (VCV001929248.7), dbSNP rs774171081, ClinGen allele CA6535883.